The following is an entry in ClinVar:

ClinVar aggregate classification (germline): Likely pathogenic (1 of 4 stars; one submission).

Conditions:
Alport syndrome. Also called: Hemorrhagic familial nephritis; Hemorrhagic hereditary nephritis; Congenital hereditary hematuria. Identifiers: Orphanet 63, MedGen C1567741, MONDO:0018965.

gnomAD v4.1: 6 of 1,613,452 alleles (0.00037%); highest among the groups gnomAD compares: Non-Finnish European, 0.00051%; no homozygotes.

Submission:

Natera, Inc.
Classification: Likely pathogenic for Alport syndrome. Last evaluated: 2026-01-15. Review status: criteria provided, single submitter. Criteria: Natera Variant Classification Schema (03/2026). Collection method: clinical testing. Allele origin: germline.
Comment: The c.602G>C variant in COL4A3 is a missense variant predicted to cause substitution of glycine to alanine at amino acid 201. This variant is rare in the general population with a frequency below the threshold expected for the associated phenotype(s). This variant is located in a functionally critical region of the protein. Computational prediction algorithms indicate this variant is likely to affect gene or protein function. Given the available evidence, this variant is classified as Likely Pathogenic.

NM_000091.5(COL4A3):c.602G>C (p.Gly201Ala)

Genes: MFF-DT (MFF divergent transcript; minus strand), COL4A3 (collagen type IV alpha 3 chain; plus strand). Cytogenetic location: 2q36.3.
Variant type: single nucleotide variant.
Coding change: c.602G>C on transcript NM_000091.5 (MANE Select); coding-DNA position 602, G replaced by C.
Protein change: p.Gly201Ala; replaces glycine 201 with alanine.
Molecular consequence: missense variant.
Genome position (GRCh38, 1-based): chr2:227,251,195, G>C. VCF-style: chr2-227251195-G-C. GRCh37 (hg19) VCF-style: chr2-228115911-G-C.
Other names: short protein forms G201A.
Identifiers: ClinVar variation 4817271 (VCV004817271.1).
Genomic context (GRCh38, chr2:227,251,195, plus strand): 5'-TCAAGGGTTTGCCAGGCCCTCCAGGTTTTCCTGGGCCTGTTGGCCCACCTGGTCCTCCGG[G>C]ATTCTTTGTGAGTATCAAGTCATCCTTGCTACAGACTCTGTCAACTAATAGATTCATTAT-3'
Protein context (NP_000082.2, residues 191-211): PGPVGPPGPP[Gly201Ala]FFGFPGAMGP